The following is an entry in ClinVar:

ClinVar aggregate classification (germline): Uncertain significance. Review status: criteria provided, multiple submitters, no conflicts (2 of 4 stars). 3 submissions from 3 submitters: Uncertain significance (3). Last evaluated 2025-06-03.

Conditions:
Inborn genetic diseases. Identifiers: MedGen C0950123, MeSH D030342.
Porphobilinogen synthase deficiency. Also called: ALAD DEFICIENCY; DELTA-AMINOLEVULINATE DEHYDRATASE DEFICIENCY; DOSS PORPHYRIA; PORPHYRIA, ALAD; Porphyria due to ALA dehydratase deficiency. Identifiers: Orphanet 100924, MedGen C0268328, MONDO:0013000, OMIM 612740.
ALAD-related disorder. Also called: ALAD-related condition.

Allele frequency attached by ClinVar (database versions not stated): ExAC 0.00004; gnomAD exomes 0.00007 and 0.00011; gnomAD 0.00006; TOPMed 0.00007.

Submissions (3):

Ambry Genetics
Classification: Uncertain significance for Inborn genetic diseases. Last evaluated: 2025-06-03. Review status: criteria provided, single submitter. Criteria: Ambry Variant Classification Scheme 2023. Collection method: clinical testing. Allele origin: germline.

PreventionGenetics, part of Exact Sciences
Classification: Uncertain significance for ALAD-related condition. Last evaluated: 2025-02-02. Review status: criteria provided, single submitter. Criteria: ACMG Guidelines, 2015. Collection method: clinical testing. Allele origin: germline.
Comment: The ALAD c.439C>T variant is predicted to result in the amino acid substitution p.Arg147Cys. To our knowledge, this variant has not been reported in the literature. This variant is reported in 0.013% of alleles in individuals of European (Non-Finnish) descent in gnomAD. At this time, the clinical significance of this variant is uncertain due to the absence of conclusive functional and genetic evidence.

Illumina Laboratory Services, Illumina
Classification: Uncertain significance for Porphobilinogen synthase deficiency. Last evaluated: 2018-01-13. Review status: criteria provided, single submitter. Criteria: ICSL Variant Classification Criteria 13 December 2019. Collection method: clinical testing. Allele origin: germline.

NM_000031.6(ALAD):c.439C>T (p.Arg147Cys)

Gene: ALAD (aminolevulinate dehydratase; minus strand). Cytogenetic location: 9q32.
Variant type: single nucleotide variant.
Coding change: c.439C>T on transcript NM_000031.6 (MANE Select); coding-DNA position 439, C replaced by T.
Protein change: p.Arg147Cys; replaces arginine 147 with cysteine.
Molecular consequence: missense variant.
Genome position (GRCh38, 1-based): chr9:113,390,635, G>A on the plus strand (C>T on the coding strand, the complement: ALAD is on the minus strand). VCF-style: chr9-113390635-G-A. GRCh37 (hg19) VCF-style: chr9-116152915-G-A.
Other names: c.526C>T, p.Arg176Cys (NM_001003945.3); c.415C>T, p.Arg139Cys (NM_001317745.2); short protein forms R147C, R176C, R139C.
Identifiers: ClinVar variation 364649 (VCV000364649.7), dbSNP rs777664535, ClinGen allele CA5196490.